The following is an entry in ClinVar:

NM_003718.5(CDK13):c.3323C>T (p.Ala1108Val)

Gene: CDK13 (cyclin dependent kinase 13; plus strand). Cytogenetic location: 7p14.1.
Variant type: single nucleotide variant.
Coding change: c.3323C>T on transcript NM_003718.5 (MANE Select); coding-DNA position 3323, C replaced by T.
Protein change: p.Ala1108Val; replaces alanine 1108 with valine.
Molecular consequence: missense variant. On other transcripts: intron variant (1).
Genome position (GRCh38, 1-based): chr7:40,092,872, C>T. VCF-style: chr7-40092872-C-T. GRCh37 (hg19) VCF-style: chr7-40132471-C-T.
Other names: c.3236-93C>T (NM_031267.3); short protein forms A1108V.
Identifiers: ClinVar variation 4745705 (VCV004745705.1).

ClinVar aggregate classification (germline): Uncertain significance (1 of 4 stars; one submission).

Submission:

Labcorp Genetics (formerly Invitae), Labcorp
Classification: Uncertain significance. Last evaluated: 2025-07-09. Review status: criteria provided, single submitter. Criteria: Invitae Variant Classification Sherloc (09022015). Collection method: clinical testing. Allele origin: germline.
Comment: This sequence change replaces alanine, which is neutral and non-polar, with valine, which is neutral and non-polar, at codon 1108 of the CDK13 protein (p.Ala1108Val). This variant is not present in population databases (gnomAD no frequency). This variant has not been reported in the literature in individuals affected with CDK13-related conditions. Invitae Evidence Modeling of protein sequence and biophysical properties (such as structural, functional, and spatial information, amino acid conservation, physicochemical variation, residue mobility, and thermodynamic stability) has been performed for this missense variant. However, the output from this modeling did not meet the statistical confidence thresholds required to predict the impact of this variant on CDK13 protein function. In summary, the available evidence is currently insufficient to determine the role of this variant in disease. Therefore, it has been classified as a Variant of Uncertain Significance.